The following is an entry in ClinVar:

ClinVar aggregate classification (germline): Uncertain significance (1 of 4 stars; one submission).

Allele frequency attached by ClinVar (database versions not stated): gnomAD exomes below 0.00001; ExAC 0.00001.
gnomAD v4.1: 2 of 1,614,170 alleles (0.00012%); highest among the groups gnomAD compares: Non-Finnish European, 0.00017%; no homozygotes.

Submission:

Labcorp Genetics (formerly Invitae), Labcorp
Classification: Uncertain significance. Last evaluated: 2022-11-11. Review status: criteria provided, single submitter. Criteria: Invitae Variant Classification Sherloc (09022015). Collection method: clinical testing. Allele origin: germline.
Comment: In summary, the available evidence is currently insufficient to determine the role of this variant in disease. Therefore, it has been classified as a Variant of Uncertain Significance. Advanced modeling of protein sequence and biophysical properties (such as structural, functional, and spatial information, amino acid conservation, physicochemical variation, residue mobility, and thermodynamic stability) performed at Invitae indicates that this missense variant is not expected to disrupt FECH protein function. This variant has not been reported in the literature in individuals affected with FECH-related conditions. This variant is present in population databases (rs779370863, gnomAD 0.0009%). This sequence change replaces aspartic acid, which is acidic and polar, with glycine, which is neutral and non-polar, at codon 316 of the FECH protein (p.Asp316Gly).

NM_000140.5(FECH):c.947A>G (p.Asp316Gly)

Gene: FECH (ferrochelatase; minus strand). Cytogenetic location: 18q21.31.
Variant type: single nucleotide variant.
Coding change: c.947A>G on transcript NM_000140.5 (MANE Select); coding-DNA position 947, A replaced by G.
Protein change: p.Asp316Gly; replaces aspartic acid 316 with glycine.
Molecular consequence: missense variant.
Genome position (GRCh38, 1-based): chr18:57,554,390, T>C on the plus strand (A>G on the coding strand, the complement: FECH is on the minus strand). VCF-style: chr18-57554390-T-C. GRCh37 (hg19) VCF-style: chr18-55221622-T-C.
Other names: c.965A>G, p.Asp322Gly (NM_001012515.4); c.848A>G, p.Asp283Gly (NM_001371094.1); c.731A>G, p.Asp244Gly (NM_001371095.1); c.947A>G, p.Asp316Gly (NM_001374778.1); short protein forms D244G, D283G, D316G, D322G.
Identifiers: ClinVar variation 2813211 (VCV002813211.3), dbSNP rs779370863, ClinGen allele CA8973030.
Genomic context (GRCh38, chr18:57,554,390, plus strand): 5'-GCTATCGGAACCAAGAGGATATTCTTCCTCCCCCTCTCACAAAGCCCTTTGATAGATTCG[T>C]CTGTTTGAGGACCCAACCAGGGCATTGGACCAACCTATGCGAAAGATAGACGAATGCGTA-3'
Protein context (NP_000131.2, residues 306-326): GPMPWLGPQT[Asp316Gly]ESIKGLCERG